The following is an entry in ClinVar:

ClinVar aggregate classification (germline): Uncertain significance (1 of 4 stars; one submission).

Conditions:
Hereditary cancer-predisposing syndrome. Also called: Neoplastic Syndromes, Hereditary; Tumor predisposition; Hereditary neoplastic syndrome; Hereditary Cancer Syndrome. Identifiers: Orphanet 140162, MedGen C0027672, MeSH D009386, MONDO:0015356.

Submission:

Ambry Genetics
Classification: Uncertain significance for Hereditary cancer-predisposing syndrome. Last evaluated: 2022-12-04. Review status: criteria provided, single submitter. Criteria: Ambry Variant Classification Scheme 2023. Collection method: clinical testing. Allele origin: germline.
Comment: The p.H224R variant (also known as c.671A>G), located in coding exon 2 of the ALK gene, results from an A to G substitution at nucleotide position 671. The histidine at codon 224 is replaced by arginine, an amino acid with highly similar properties. This amino acid position is conserved. In addition, this alteration is predicted to be tolerated by in silico analysis. Since supporting evidence is limited at this time, the clinical significance of this alteration remains unclear.

NM_004304.5(ALK):c.671A>G (p.His224Arg)

Gene: ALK (ALK receptor tyrosine kinase; minus strand). Cytogenetic location: 2p23.2.
Variant type: single nucleotide variant.
Coding change: c.671A>G on transcript NM_004304.5 (MANE Select); coding-DNA position 671, A replaced by G.
Protein change: p.His224Arg; replaces histidine 224 with arginine.
Molecular consequence: missense variant.
Genome position (GRCh38, 1-based): chr2:29,717,694, T>C on the plus strand (A>G on the coding strand, the complement: ALK is on the minus strand). VCF-style: chr2-29717694-T-C. GRCh37 (hg19) VCF-style: chr2-29940560-T-C.
Other names: short protein forms H224R.
Identifiers: ClinVar variation 2452099 (VCV002452099.2), dbSNP rs2465433051, ClinGen allele CA346587853.